The following is an entry in ClinVar:

NM_001165963.4(SCN1A):c.2868G>A (p.Met956Ile)

Gene: SCN1A (sodium voltage-gated channel alpha subunit 1; minus strand). Cytogenetic location: 2q24.3.
Variant type: single nucleotide variant.
Coding change: c.2868G>A on transcript NM_001165963.4 (MANE Select); coding-DNA position 2868, G replaced by A.
Protein change: p.Met956Ile; replaces methionine 956 with isoleucine.
Molecular consequence: missense variant. On other transcripts: non-coding transcript variant (1).
Genome position (GRCh38, 1-based): chr2:166,037,854, C>T on the plus strand (G>A on the coding strand, the complement: SCN1A is on the minus strand). VCF-style: chr2-166037854-C-T. GRCh37 (hg19) VCF-style: chr2-166894364-C-T.
Other names: c.2784G>A, p.Met928Ile (NM_001165964.3, NM_001353957.2, NM_001353958.2); c.2868G>A, p.Met956Ile (NM_001202435.3, NM_001353948.2); c.2835G>A, p.Met945Ile (NM_001353949.2, NM_001353950.2, NM_001353951.2 and 2 more transcripts); c.2832G>A, p.Met944Ile (NM_001353954.2, NM_001353955.2); c.2781G>A, p.Met927Ile (NM_001353960.2); c.426G>A, p.Met142Ile (NM_001353961.2); short protein forms M945I, M956I, M142I, M927I, M928I, M944I.
Identifiers: ClinVar variation 461257 (VCV000461257.9), dbSNP rs1553541172, ClinGen allele CA349061084.

ClinVar aggregate classification (germline): Likely pathogenic (1 of 4 stars; one submission).

Conditions:
Early-infantile DEE. Also called: Early infantile epileptic encephalopathy; Ohtahara syndrome; Early infantile epileptic encephalopathy with suppression bursts. Identifiers: Orphanet 1934, MedGen C0393706, MONDO:0800491.

Submission:

Labcorp Genetics (formerly Invitae), Labcorp
Classification: Likely pathogenic for Early-infantile DEE. Last evaluated: 2022-11-21. Review status: criteria provided, single submitter. Criteria: Invitae Variant Classification Sherloc (09022015). Collection method: clinical testing. Allele origin: germline.
Comment: In summary, the currently available evidence indicates that the variant is pathogenic, but additional data are needed to prove that conclusively. Therefore, this variant has been classified as Likely Pathogenic. This variant disrupts the p.Met956 amino acid residue in SCN1A. Other variant(s) that disrupt this residue have been determined to be pathogenic (PMID: 25576396, 27066544). This suggests that this residue is clinically significant, and that variants that disrupt this residue are likely to be disease-causing. Advanced modeling of protein sequence and biophysical properties (such as structural, functional, and spatial information, amino acid conservation, physicochemical variation, residue mobility, and thermodynamic stability) performed at Invitae indicates that this missense variant is expected to disrupt SCN1A protein function. ClinVar contains an entry for this variant (Variation ID: 461257). This variant has not been reported in the literature in individuals affected with SCN1A-related conditions. This variant is not present in population databases (gnomAD no frequency). This sequence change replaces methionine, which is neutral and non-polar, with isoleucine, which is neutral and non-polar, at codon 956 of the SCN1A protein (p.Met956Ile).

Literature cited by the submitters: PubMed 25576396; PubMed 27066544.